The following is an entry in ClinVar:

NM_015046.7(SETX):c.4268C>G (p.Thr1423Ser)

Gene: SETX (senataxin; minus strand). Cytogenetic location: 9q34.13.
Variant type: single nucleotide variant.
Coding change: c.4268C>G on transcript NM_015046.7 (MANE Select); coding-DNA position 4268, C replaced by G.
Protein change: p.Thr1423Ser; replaces threonine 1423 with serine.
Molecular consequence: missense variant.
Genome position (GRCh38, 1-based): chr9:132,327,330, G>C on the plus strand (C>G on the coding strand, the complement: SETX is on the minus strand). VCF-style: chr9-132327330-G-C. GRCh37 (hg19) VCF-style: chr9-135202717-G-C.
Other names: c.4268C>G, p.Thr1423Ser (NM_001351527.2, NM_001351528.2); short protein forms T1423S.
Identifiers: ClinVar variation 4789535 (VCV004789535.1).
Genomic context (GRCh38, chr9:132,327,330, plus strand): 5'-TCACACTGGTTCAAAGGGCAAGCATCATCAGTTGCTGGAGACCCATGTTTTGCTTTTATG[G>C]TTTCTGGTTCAGAAGGCATGCATTTTATTAACTGTTTTCTGTTACTGTTGGCAAGTACCT-3'
Protein context (NP_055861.3, residues 1413-1433): LIKCMPSEPE[Thr1423Ser]IKAKHGSPAT

ClinVar aggregate classification (germline): Uncertain significance (1 of 4 stars; one submission).

Conditions:
Spinocerebellar ataxia, autosomal recessive, with axonal neuropathy 2 (SCAN2). Also called: ATAXIA-OCULOMOTOR APRAXIA 2; Ataxia with Oculomotor Apraxia; Ataxia-ocular apraxia-2; Ataxia with Oculomotor Apraxia Type 2. Identifiers: Orphanet 64753, MedGen C1853761, MONDO:0018996, OMIM 606002.
Amyotrophic lateral sclerosis type 4 (ALS4). Also called: AMYOTROPHIC LATERAL SCLEROSIS 4, JUVENILE; NEURONOPATHY, DISTAL HEREDITARY MOTOR, WITH PYRAMIDAL FEATURES. Identifiers: Orphanet 357043, MedGen C1865409, MONDO:0011223, OMIM 602433.

Submission:

Labcorp Genetics (formerly Invitae), Labcorp
Classification: Uncertain significance for Amyotrophic lateral sclerosis type 4; Spinocerebellar ataxia, autosomal recessive, with axonal neuropathy 2. Last evaluated: 2025-09-01. Review status: criteria provided, single submitter. Criteria: Invitae Variant Classification Sherloc (09022015). Collection method: clinical testing. Allele origin: germline.
Comment: This sequence change replaces threonine, which is neutral and polar, with serine, which is neutral and polar, at codon 1423 of the SETX protein (p.Thr1423Ser). This variant is not present in population databases (gnomAD no frequency). This variant has not been reported in the literature in individuals affected with SETX-related conditions. Invitae Evidence Modeling of protein sequence and biophysical properties (such as structural, functional, and spatial information, amino acid conservation, physicochemical variation, residue mobility, and thermodynamic stability) indicates that this missense variant is not expected to disrupt SETX protein function with a negative predictive value of 95%. In summary, the available evidence is currently insufficient to determine the role of this variant in disease. Therefore, it has been classified as a Variant of Uncertain Significance.